The following is an entry in ClinVar:

NM_145290.4(ADGRA3):c.3488G>A (p.Arg1163Gln)

Gene: ADGRA3 (adhesion G protein-coupled receptor A3; minus strand). Cytogenetic location: 4p15.2.
Variant type: single nucleotide variant.
Coding change: c.3488G>A on transcript NM_145290.4 (MANE Select); coding-DNA position 3488, G replaced by A.
Protein change: p.Arg1163Gln; replaces arginine 1163 with glutamine.
Molecular consequence: missense variant.
Genome position (GRCh38, 1-based): chr4:22,388,183, C>T on the plus strand (G>A on the coding strand, the complement: ADGRA3 is on the minus strand). VCF-style: chr4-22388183-C-T. GRCh37 (hg19) VCF-style: chr4-22389806-C-T.
Other names: c.3488G>A (NM_145290.2); short protein forms R1163Q.
Identifiers: ClinVar variation 965012 (VCV000965012.11), dbSNP rs771076973, ClinGen allele CA2873357.

ClinVar aggregate classification (germline): Uncertain significance. Review status: criteria provided, multiple submitters, no conflicts (2 of 4 stars). 3 submissions from 3 submitters: Uncertain significance (2). 1 of the submissions does not count toward it. Last evaluated 2025-03-08.

Conditions:
Retinal dystrophy. Also called: Inherited retinal dystrophy. Identifiers: Orphanet 71862, MedGen C0854723, MeSH D058499, MONDO:0019118, HP:0000556.

Allele frequency attached by ClinVar (database versions not stated): TOPMed 0.00002; gnomAD 0.00003 and 0.00004; gnomAD exomes 0.00003 and 0.00006; ExAC 0.00007.
gnomAD v4.1: 45 of 1,613,808 alleles (0.0028%); highest among the groups gnomAD compares: Middle Eastern, 0.033%; no homozygotes.

Submissions (3):

Ambry Genetics
Classification: Uncertain significance. Last evaluated: 2025-03-08. Review status: criteria provided, single submitter. Criteria: Ambry Variant Classification Scheme 2023. Collection method: clinical testing. Allele origin: germline.

Labcorp Genetics (formerly Invitae), Labcorp
Classification: Uncertain significance. Last evaluated: 2022-07-17. Review status: criteria provided, single submitter. Criteria: Invitae Variant Classification Sherloc (09022015). Collection method: clinical testing. Allele origin: germline.
Comment: This sequence change replaces arginine, which is basic and polar, with glutamine, which is neutral and polar, at codon 1163 of the ADGRA3 protein (p.Arg1163Gln). This variant is present in population databases (rs771076973, gnomAD 0.03%). This variant has not been reported in the literature in individuals affected with ADGRA3-related conditions. ClinVar contains an entry for this variant (Variation ID: 965012). Algorithms developed to predict the effect of missense changes on protein structure and function are either unavailable or do not agree on the potential impact of this missense change (SIFT: "Tolerated"; PolyPhen-2: "Possibly Damaging"; Align-GVGD: "Class C0"). In summary, the available evidence is currently insufficient to determine the role of this variant in disease. Therefore, it has been classified as a Variant of Uncertain Significance.

Institute of Human Genetics, Univ. Regensburg, Univ. Regensburg
Classification: Uncertain significance for Retinal dystrophy. Last evaluated: 2022-01-01. Review status: no assertion criteria provided. Criteria: ACMG Guidelines, 2015. Collection method: clinical testing. Allele origin: germline. Affected: yes. Not counted in ClinVar's aggregate classification.